The following is an entry in ClinVar:

ClinVar aggregate classification (germline): Uncertain significance (1 of 4 stars; one submission).

Submission:

Ambry Genetics
Classification: Uncertain significance. Last evaluated: 2021-11-06. Review status: criteria provided, single submitter. Criteria: Ambry Variant Classification Scheme 2023. Collection method: clinical testing. Allele origin: germline.
Comment: The p.L914S variant (also known as c.2741T>C), located in coding exon 15 of the PALLD gene, results from a T to C substitution at nucleotide position 2741. The leucine at codon 914 is replaced by serine, an amino acid with dissimilar properties. This amino acid position is conserved. In addition, this alteration is predicted to be deleterious by in silico analysis. Since supporting evidence is limited at this time, the clinical significance of this alteration remains unclear.

NM_001166108.2(PALLD):c.2792T>C (p.Leu931Ser)

Genes: CBR4 (carbonyl reductase 4; minus strand), PALLD (palladin, cytoskeletal associated protein; plus strand). Cytogenetic location: 4q32.3.
Variant type: single nucleotide variant.
Coding change: c.2792T>C on transcript NM_001166108.2 (MANE Select); coding-DNA position 2792, T replaced by C.
Protein change: p.Leu931Ser; replaces leucine 931 with serine.
Molecular consequence: missense variant.
Genome position (GRCh38, 1-based): chr4:168,915,969, T>C. VCF-style: chr4-168915969-T-C. GRCh37 (hg19) VCF-style: chr4-169837120-T-C.
Other names: c.1595T>C, p.Leu532Ser (NM_001166109.2); c.1280T>C, p.Leu427Ser (NM_001166110.2); c.620T>C, p.Leu207Ser (NM_001367567.1, NM_001367569.1); c.671T>C, p.Leu224Ser (NM_001367568.1, NM_001367570.1); c.2741T>C, p.Leu914Ser (NM_016081.4); short protein forms L207S, L931S, L914S, L224S, L427S, L532S.
Identifiers: ClinVar variation 1795447 (VCV001795447.2), dbSNP rs2534079359, ClinGen allele CA358706778.